The following is an entry in ClinVar:

NM_000245.4(MET):c.471G>A (p.Glu157=)

Gene: MET (MET proto-oncogene, receptor tyrosine kinase; plus strand). Cytogenetic location: 7q31.2.
Variant type: single nucleotide variant.
Coding change: c.471G>A on transcript NM_000245.4 (MANE Select); coding-DNA position 471, G replaced by A.
Protein change: p.Glu157=; no amino-acid change (glutamic acid 157 retained).
Molecular consequence: synonymous variant. On other transcripts: intron variant (1).
Genome position (GRCh38, 1-based): chr7:116,699,555, G>A. VCF-style: chr7-116699555-G-A. GRCh37 (hg19) VCF-style: chr7-116339609-G-A.
Other names: c.471G>A, p.Glu157= (NM_001127500.3, NM_001324401.3); c.-91+26978G>A (NM_001324402.2).
Identifiers: ClinVar variation 766129 (VCV000766129.12), dbSNP rs1451799154, ClinGen allele CA457447713.

ClinVar aggregate classification (germline): Benign/Likely benign. Review status: criteria provided, multiple submitters, no conflicts (2 of 4 stars). 3 submissions from 3 submitters: Benign (1); Likely benign (2). Last evaluated 2026-01-19.

Conditions:
Papillary renal cell carcinoma type 1 (RCCP1). Also called: RENAL CELL CARCINOMA, PAPILLARY, 1, SOMATIC; Renal adenocarcinoma; Renal cell carcinoma 1; Renal cell carcinoma, somatic. Identifiers: Orphanet 47044, MedGen C1336839, OMIM 605074, HP:0011797.
Renal cell carcinoma. Identifiers: Orphanet 217071, MedGen C0007134, MeSH D002292, MONDO:0005086, HP:0005584.
Hereditary cancer-predisposing syndrome. Also called: Tumor predisposition; Neoplastic Syndromes, Hereditary; Hereditary Cancer Syndrome; Hereditary neoplastic syndrome. Identifiers: Orphanet 140162, MedGen C0027672, MeSH D009386, MONDO:0015356.

Allele frequency attached by ClinVar (database versions not stated): TOPMed below 0.00001.

Submissions (3):

Labcorp Genetics (formerly Invitae), Labcorp
Classification: Likely benign for Renal cell carcinoma. Last evaluated: 2026-01-19. Review status: criteria provided, single submitter. Criteria: Invitae Variant Classification Sherloc (09022015). Collection method: clinical testing. Allele origin: germline.

Myriad Genetics, Inc.
Classification: Benign for Papillary renal cell carcinoma type 1. Last evaluated: 2024-11-06. Review status: criteria provided, single submitter. Criteria: Myriad Autosomal Dominant, Autosomal Recessive and X-Linked Classification Criteria (2023). Collection method: clinical testing. Allele origin: unknown.
Comment: This variant is considered benign. This variant is a silent/synonymous amino acid change and it is not expected to impact splicing.

Ambry Genetics
Classification: Likely benign for Hereditary cancer-predisposing syndrome. Last evaluated: 2022-03-16. Review status: criteria provided, single submitter. Criteria: Ambry Variant Classification Scheme 2023. Collection method: clinical testing. Allele origin: germline.